The following is an entry in ClinVar:

NM_000784.4(CYP27A1):c.788C>G (p.Pro263Arg)

Gene: CYP27A1 (cytochrome P450 family 27 subfamily A member 1; plus strand). Cytogenetic location: 2q35.
Variant type: single nucleotide variant.
Coding change: c.788C>G on transcript NM_000784.4 (MANE Select); coding-DNA position 788, C replaced by G.
Protein change: p.Pro263Arg; replaces proline 263 with arginine.
Molecular consequence: missense variant.
Genome position (GRCh38, 1-based): chr2:218,812,693, C>G. VCF-style: chr2-218812693-C-G. GRCh37 (hg19) VCF-style: chr2-219677416-C-G.
Other names: c.788C>G (NM_000784.3); short protein forms P263R.
Identifiers: ClinVar variation 595129 (VCV000595129.9), dbSNP rs1274003022, ClinGen allele CA350587164.

ClinVar aggregate classification (germline): Uncertain significance. Review status: criteria provided, multiple submitters, no conflicts (2 of 4 stars). 3 submissions from 3 submitters: Uncertain significance (3). Last evaluated 2025-04-20.

Conditions:
Cardiovascular phenotype. Identifiers: MedGen CN230736.
Cholestanol storage disease (CTX). Also called: Cerebrotendinous Xanthomatosis; CTX: Cerebrotendinous xanthomatosis; CEREBRAL CHOLESTERINOSIS. Identifiers: Orphanet 909, MedGen C0238052, MONDO:0008948, OMIM 213700.

Allele frequency attached by ClinVar (database versions not stated): gnomAD exomes below 0.00001; gnomAD 0.00001; TOPMed 0.00002.
gnomAD v4.1: 3 of 1,614,092 alleles (0.00019%); highest among the groups gnomAD compares: Admixed American, 0.005%; no homozygotes.

Submissions (3):

Labcorp Genetics (formerly Invitae), Labcorp
Classification: Uncertain significance for Cholestanol storage disease. Last evaluated: 2025-04-20. Review status: criteria provided, single submitter. Criteria: Invitae Variant Classification Sherloc (09022015). Collection method: clinical testing. Allele origin: germline.
Comment: This sequence change replaces proline, which is neutral and non-polar, with arginine, which is basic and polar, at codon 263 of the CYP27A1 protein (p.Pro263Arg). This variant is present in population databases (no rsID available, gnomAD 0.003%). This variant has not been reported in the literature in individuals affected with CYP27A1-related conditions. ClinVar contains an entry for this variant (Variation ID: 595129). Invitae Evidence Modeling of protein sequence and biophysical properties (such as structural, functional, and spatial information, amino acid conservation, physicochemical variation, residue mobility, and thermodynamic stability) indicates that this missense variant is not expected to disrupt CYP27A1 protein function with a negative predictive value of 80%. In summary, the available evidence is currently insufficient to determine the role of this variant in disease. Therefore, it has been classified as a Variant of Uncertain Significance.

Ambry Genetics
Classification: Uncertain significance for Cardiovascular phenotype. Last evaluated: 2025-03-31. Review status: criteria provided, single submitter. Criteria: Ambry Variant Classification Scheme 2023. Collection method: clinical testing. Allele origin: germline.
Comment: The p.P263R variant (also known as c.788C>G), located in coding exon 4 of the CYP27A1 gene, results from a C to G substitution at nucleotide position 788. The proline at codon 263 is replaced by arginine, an amino acid with dissimilar properties. This amino acid position is conserved. In addition, this alteration is predicted to be tolerated by in silico analysis. Based on the available evidence, the clinical significance of this variant remains unclear.

Eurofins Ntd Llc (ga)
Classification: Uncertain significance. Last evaluated: 2017-11-22. Review status: criteria provided, single submitter. Criteria: EGL Classification Definitions 2015. Collection method: clinical testing. Allele origin: germline. Observed: 1 variant allele, 1 heterozygote.